The following is an entry in ClinVar:

NM_019023.5(PRMT7):c.1576-60C>A

Gene: PRMT7 (protein arginine methyltransferase 7; plus strand). Cytogenetic location: 16q22.1.
Variant type: single nucleotide variant.
Coding change: c.1576-60C>A on transcript NM_019023.5 (MANE Select); 60 bases into the intron before coding-DNA position 1576, C replaced by A.
Molecular consequence: intron variant. On other transcripts: missense variant (1), non-coding transcript variant (5).
Genome position (GRCh38, 1-based): chr16:68,353,432, C>A. VCF-style: chr16-68353432-C-A. GRCh37 (hg19) VCF-style: chr16-68387335-C-A.
Other names: c.1519C>A, p.Leu507Met (NM_001351144.3); c.1339-60C>A (NM_001378022.1, NM_001378021.1, NM_001378023.1); c.1576-60C>A (NM_001351143.3, NM_001378018.1, NM_001290018.2); c.1426-60C>A (NM_001184824.4); c.1369-60C>A (NM_001378020.1); short protein forms L507M.
Identifiers: ClinVar variation 2646659 (VCV002646659.24), dbSNP rs56365255, ClinGen allele CA8127530.

ClinVar aggregate classification (germline): Likely benign (1 of 4 stars; one submission).

Allele frequency attached by ClinVar (database versions not stated): 1000 Genomes Project 0.00280; 1000 Genomes Project 30x 0.00312; ESP Exome Variant Server 0.00438.
gnomAD v4.1: 10,097 of 1,605,378 alleles (0.63%); highest among the groups gnomAD compares: Non-Finnish European, 0.68%; 45 homozygotes.

Submission:

CeGaT Center for Human Genetics Tuebingen
Classification: Likely benign. Last evaluated: 2026-09-01. Review status: criteria provided, single submitter. Criteria: CeGaT Center For Human Genetics Tuebingen Variant Classification Criteria Version 2. Collection method: clinical testing. Allele origin: germline. Affected: yes. Observed: 25 variant alleles.
Comment: PRMT7: BS2